The following is an entry in ClinVar:

NM_182914.3(SYNE2):c.17671A>T (p.Ile5891Leu)

Gene: SYNE2 (spectrin repeat containing nuclear envelope protein 2; plus strand). Cytogenetic location: 14q23.2.
Variant type: single nucleotide variant.
Coding change: c.17671A>T on transcript NM_182914.3 (MANE Select); coding-DNA position 17671, A replaced by T.
Protein change: p.Ile5891Leu; replaces isoleucine 5891 with leucine.
Molecular consequence: missense variant.
Genome position (GRCh38, 1-based): chr14:64,186,538, A>T. VCF-style: chr14-64186538-A-T. GRCh37 (hg19) VCF-style: chr14-64653256-A-T.
Other names: c.17671A>T, p.Ile5891Leu (NM_015180.6); short protein forms I5891L.
Identifiers: ClinVar variation 3642662 (VCV003642662.2).
Genomic context (GRCh38, chr14:64,186,538, plus strand): 5'-ATGAAGGCGGACTTAACCCGGCACGTTCTCGTGGAAGATGTGATGGTTTTGAAGGAGCAA[A>T]TAGAGCATTTGCACAGACAATGGGAGGACCTCTGCTTAAGGGTAAGTCAGCTCACTGCAG-3'
Protein context (NP_878918.2, residues 5881-5901): VEDVMVLKEQ[Ile5891Leu]EHLHRQWEDL

ClinVar aggregate classification (germline): Uncertain significance (1 of 4 stars; one submission).

Conditions:
Emery-Dreifuss muscular dystrophy 5, autosomal dominant (EDMD5). Also called: EMERY-DREIFUSS MUSCULAR DYSTROPHY 5. Identifiers: Orphanet 261, MedGen C2751805, MONDO:0013072, OMIM 612999.

Submission:

Labcorp Genetics (formerly Invitae), Labcorp
Classification: Uncertain significance for Emery-Dreifuss muscular dystrophy 5, autosomal dominant. Last evaluated: 2024-02-22. Review status: criteria provided, single submitter. Criteria: Invitae Variant Classification Sherloc (09022015). Collection method: clinical testing. Allele origin: germline.
Comment: This sequence change replaces isoleucine, which is neutral and non-polar, with leucine, which is neutral and non-polar, at codon 5891 of the SYNE2 protein (p.Ile5891Leu). This variant is not present in population databases (gnomAD no frequency). This variant has not been reported in the literature in individuals affected with SYNE2-related conditions. An algorithm developed to predict the effect of missense changes on protein structure and function (PolyPhen-2) suggests that this variant is likely to be tolerated. In summary, the available evidence is currently insufficient to determine the role of this variant in disease. Therefore, it has been classified as a Variant of Uncertain Significance.